The following is an entry in ClinVar:

ClinVar aggregate classification (germline): Uncertain significance (1 of 4 stars; one submission).

Submission:

Labcorp Genetics (formerly Invitae), Labcorp
Classification: Uncertain significance. Last evaluated: 2025-07-21. Review status: criteria provided, single submitter. Criteria: Invitae Variant Classification Sherloc (09022015). Collection method: clinical testing. Allele origin: germline.
Comment: This sequence change replaces aspartic acid, which is acidic and polar, with asparagine, which is neutral and polar, at codon 59 of the RPL23 protein (p.Asp59Asn). This variant is not present in population databases (gnomAD no frequency). This variant has not been reported in the literature in individuals affected with RPL23-related conditions. ClinVar contains an entry for this variant (Variation ID: 3701242). An algorithm developed to predict the effect of missense changes on protein structure and function (PolyPhen-2) suggests that this variant is likely to be disruptive. In summary, the available evidence is currently insufficient to determine the role of this variant in disease. Therefore, it has been classified as a Variant of Uncertain Significance.

NM_000978.4(RPL23):c.175G>A (p.Asp59Asn)

Genes: RPL23 (ribosomal protein L23; minus strand), LOC126862551 (P300/CBP strongly-dependent group 1 enhancer GRCh37_chr17:37008921-37010120; plus strand). Cytogenetic location: 17q12.
Variant type: single nucleotide variant.
Coding change: c.175G>A on transcript NM_000978.4 (MANE Select); coding-DNA position 175, G replaced by A.
Protein change: p.Asp59Asn; replaces aspartic acid 59 with asparagine.
Molecular consequence: missense variant.
Genome position (GRCh38, 1-based): chr17:38,852,655, C>T on the plus strand (G>A on the coding strand, the complement: RPL23 is on the minus strand). VCF-style: chr17-38852655-C-T. GRCh37 (hg19) VCF-style: chr17-37008908-C-T.
Other names: short protein forms D59N.
Identifiers: ClinVar variation 3701242 (VCV003701242.2).
Genomic context (GRCh38, chr17:38,852,655, plus strand): 5'-TTTACTCACCCTTTTTTCTGAGCTCTGGTTTGCCTTTCTTGACTGTGGCCATCACCATGT[C>T]ACCCACACCAGCAGCGGGAAGTCTGTTCAGCCGTCCCTTGATCCCCTTCACGGAGATGAT-3'
Protein context (NP_000969.1, residues 49-69): LNRLPAAGVG[Asp59Asn]MVMATVKKGK